The following is an entry in ClinVar:

ClinVar aggregate classification (germline): Uncertain significance (1 of 4 stars; one submission).

Conditions:
Combined immunodeficiency due to LRBA deficiency. Also called: Common variable immunodeficiency 8, with autoimmunity. Identifiers: Orphanet 445018, MedGen C3553512, MONDO:0013863, OMIM 614700.

gnomAD v4.1: 3 of 1,613,884 alleles (0.00019%); highest among the groups gnomAD compares: East Asian, 0.0022%; no homozygotes.

Submission:

Clinical Genomics Laboratory, Washington University in St. Louis
Classification: Uncertain significance for Combined immunodeficiency due to LRBA deficiency. Last evaluated: 2025-01-07. Review status: criteria provided, single submitter. Criteria: ACMG Guidelines, 2015. Collection method: clinical testing. Allele origin: germline.
Comment: An LRBA c.5717A>G (p.Gln1906Arg) variant was identified in a heterozygous state. This variant, to our knowledge, has not been reported in the medical literature or in the ClinVar database. This variant is absent from the general population (gnomAD v.2.1.1), indicating it is not a common variant. Computational predictors suggest that the variant does not impact LRBA function. Due to conflicting information, and based on the ACMG/AMP guidelines for variant interpretation (Richards S et al., PMID: 25741868), the clinical significance of the LRBA c.5717A>G (p.Gln1906Arg) variant is uncertain at this time.

NM_001364905.1(LRBA):c.5717A>G (p.Gln1906Arg)

Gene: LRBA (LPS responsive beige-like anchor protein; minus strand). Cytogenetic location: 4q31.3.
Variant type: single nucleotide variant.
Coding change: c.5717A>G on transcript NM_001364905.1 (MANE Select); coding-DNA position 5717, A replaced by G.
Protein change: p.Gln1906Arg; replaces glutamine 1906 with arginine.
Molecular consequence: missense variant.
Genome position (GRCh38, 1-based): chr4:150,735,295, T>C on the plus strand (A>G on the coding strand, the complement: LRBA is on the minus strand). VCF-style: chr4-150735295-T-C. GRCh37 (hg19) VCF-style: chr4-151656447-T-C.
Other names: c.5717A>G, p.Gln1906Arg (NM_001199282.3, NM_001367550.1, NM_001440430.1 and 2 more transcripts); short protein forms Q1906R.
Identifiers: ClinVar variation 4279820 (VCV004279820.1).